The following is an entry in ClinVar:

NM_001308429.2(GARIN5A):c.387G>A (p.Pro129=)

Gene: GARIN5A (golgi associated RAB2 interactor 5A; minus strand). Cytogenetic location: 19q13.33.
Variant type: single nucleotide variant.
Coding change: c.387G>A on transcript NM_001308429.2 (MANE Select); coding-DNA position 387, G replaced by A.
Protein change: p.Pro129=; no amino-acid change (proline 129 retained).
Molecular consequence: synonymous variant. On other transcripts: intron variant (1).
Genome position (GRCh38, 1-based): chr19:50,475,477, C>T on the plus strand (G>A on the coding strand, the complement: GARIN5A is on the minus strand). VCF-style: chr19-50475477-C-T. GRCh37 (hg19) VCF-style: chr19-50978734-C-T.
Other names: c.361-22G>A (NM_138411.3).
Identifiers: ClinVar variation 2650338 (VCV002650338.22), dbSNP rs201537879, ClinGen allele CA9598653.
Genomic context (GRCh38, chr19:50,475,477, plus strand): 5'-CATGGTGACCTCGTTGGCAACTTCTCCCAACCGAGTCACCTGGGGCCAGAGGTCAGAGGT[C>T]GGGGCAGGATAGATGTCGGGGCAGAACTGAGGAGGGATCAGAGGTTAGGAATCTTGGTAG-3'
Protein context (NP_001295358.1, residues 119-139): VQFCPDIYPA[Pro129=]TSDLWPQVTR

ClinVar aggregate classification (germline): Likely benign (1 of 4 stars; one submission).

Allele frequency attached by ClinVar (database versions not stated): 1000 Genomes Project 0.00220; 1000 Genomes Project 30x 0.00234.
gnomAD v4.1: 624 of 1,591,866 alleles (0.039%); highest among the groups gnomAD compares: South Asian, 0.47%; 6 homozygotes.

Submission:

CeGaT Center for Human Genetics Tuebingen
Classification: Likely benign. Last evaluated: 2022-05-01. Review status: criteria provided, single submitter. Criteria: CeGaT Center For Human Genetics Tuebingen Variant Classification Criteria Version 2. Collection method: clinical testing. Allele origin: germline. Affected: yes. Observed: 1 variant allele.
Comment: GARIN5A: BP4, BP7